The following is an entry in ClinVar:

ClinVar aggregate classification (germline): Uncertain significance (1 of 4 stars; one submission).

Conditions:
Cardiovascular phenotype. Identifiers: MedGen CN230736.
Hereditary cancer-predisposing syndrome. Also called: Tumor predisposition; Hereditary neoplastic syndrome; Neoplastic Syndromes, Hereditary; Hereditary Cancer Syndrome. Identifiers: Orphanet 140162, MedGen C0027672, MeSH D009386, MONDO:0015356.

Submission:

Ambry Genetics
Classification: Uncertain significance for Cardiovascular phenotype; Hereditary cancer-predisposing syndrome. Last evaluated: 2025-03-19. Review status: criteria provided, single submitter. Criteria: Ambry Variant Classification Scheme 2023. Collection method: clinical testing. Allele origin: germline.
Comment: The p.S1363R variant (also known as c.4089T>A), located in coding exon 30 of the NF1 gene, results from a T to A substitution at nucleotide position 4089. The serine at codon 1363 is replaced by arginine, an amino acid with dissimilar properties. This amino acid position is conserved. In addition, this alteration is predicted to be deleterious by in silico analysis. Based on the available evidence, the clinical significance of this variant remains unclear.

NM_001042492.3(NF1):c.4089T>A (p.Ser1363Arg)

Gene: NF1 (neurofibromin 1; plus strand). Cytogenetic location: 17q11.2.
Variant type: single nucleotide variant.
Coding change: c.4089T>A on transcript NM_001042492.3 (MANE Select); coding-DNA position 4089, T replaced by A.
Protein change: p.Ser1363Arg; replaces serine 1363 with arginine.
Molecular consequence: missense variant.
Genome position (GRCh38, 1-based): chr17:31,249,098, T>A. VCF-style: chr17-31249098-T-A. GRCh37 (hg19) VCF-style: chr17-29576116-T-A.
Other names: c.4089T>A, p.Ser1363Arg (NM_000267.4); short protein forms S1363R.
Identifiers: ClinVar variation 4014641 (VCV004014641.1).